The following is an entry in ClinVar:

ClinVar aggregate classification (germline): Uncertain significance (1 of 4 stars; one submission).

Submission:

GeneDx
Classification: Uncertain significance. Last evaluated: 2017-03-23. Review status: criteria provided, single submitter. Criteria: GeneDx Variant Classification (06012015). Collection method: clinical testing. Allele origin: germline. Affected: yes.
Comment: A variant of uncertain significance has been identified in the CNTNAP2 gene. The M551K variant has not been published as a pathogenic variant, nor has it been reported as a benign variant to our knowledge. The M551K variant is not observed in large population cohorts (Lek et al., 2016; 1000 Genomes Consortium et al., 2015; Exome Variant Server). The M551K variant is a non-conservative amino acid substitution, which is likely to impact secondary protein structure as these residues differ in polarity, charge, size and/or other properties. In silico analysis predicts this variant is probably damaging to the protein structure/function. However, this substitution occurs at a position where amino acids with similar properties to Methionine are tolerated across species. Therefore, based on the currently available information, it is unclear whether this variant is a pathogenic variant or a rare benign variant.

NM_014141.6(CNTNAP2):c.1652T>A (p.Met551Lys)

Gene: CNTNAP2 (contactin associated protein 2; plus strand). Cytogenetic location: 7q35.
Variant type: single nucleotide variant.
Coding change: c.1652T>A on transcript NM_014141.6 (MANE Select); coding-DNA position 1652, T replaced by A.
Protein change: p.Met551Lys; replaces methionine 551 with lysine.
Molecular consequence: missense variant.
Genome position (GRCh38, 1-based): chr7:147,395,762, T>A. VCF-style: chr7-147395762-T-A. GRCh37 (hg19) VCF-style: chr7-147092854-T-A.
Other names: short protein forms M551K.
Identifiers: ClinVar variation 426947 (VCV000426947.2), dbSNP rs1085307865, ClinGen allele CA369925715.